The following is an entry in ClinVar:

ClinVar aggregate classification (germline): Uncertain significance (1 of 4 stars; one submission).

Conditions:
Inborn genetic diseases. Identifiers: MedGen C0950123, MeSH D030342.

Submission:

Ambry Genetics
Classification: Uncertain significance for Inborn genetic diseases. Last evaluated: 2026-05-29. Review status: criteria provided, single submitter. Criteria: Ambry Variant Classification Scheme 2023. Collection method: clinical testing. Allele origin: germline.
Comment: The c.98-5C>A intronic variant results from a C to A substitution 5 nucleotides upstream from coding exon 3 in the RUNX1 gene. This nucleotide position is highly conserved in available vertebrate species. In silico splice site analysis predicts that this alteration will weaken the native splice acceptor site; however, direct evidence is insufficient at this time (Ambry internal data). Based on the available evidence, the clinical significance of this variant remains unclear.

NM_001754.5(RUNX1):c.98-5C>A

Gene: RUNX1 (RUNX family transcription factor 1; minus strand). Cytogenetic location: 21q22.12.
Variant type: single nucleotide variant.
Coding change: c.98-5C>A on transcript NM_001754.5 (MANE Select); 5 bases into the intron before coding-DNA position 98, C replaced by A.
Molecular consequence: intron variant. On other transcripts: synonymous variant (2).
Genome position (GRCh38, 1-based): chr21:34,887,101, G>T on the plus strand (C>A on the coding strand, the complement: RUNX1 is on the minus strand). VCF-style: chr21-34887101-G-T. GRCh37 (hg19) VCF-style: chr21-36259398-G-T.
Other names: c.12C>A, p.Pro4= (NM_001001890.3, NM_001122607.2).
Identifiers: ClinVar variation 4863656 (VCV004863656.1).